The following is an entry in ClinVar:

ClinVar aggregate classification (germline): Uncertain significance (1 of 4 stars; one submission).

Conditions:
Muscular dystrophy-dystroglycanopathy (congenital with brain and eye anomalies), type A, 7. Also called: WALKER-WARBURG SYNDROME OR MUSCLE-EYE-BRAIN DISEASE, ISPD-RELATED; Congenital muscular dystrophy-dystroglycanopathy with brain and eye anomalies, type A7. Identifiers: Orphanet 899, MedGen C3553330, MONDO:0013835, OMIM 614643.
Autosomal recessive limb-girdle muscular dystrophy type 2U. Also called: Muscular dystrophy-dystroglycanopathy (limb-girdle), type c, 7; MUSCULAR DYSTROPHY, LIMB-GIRDLE, TYPE 2U. Identifiers: Orphanet 352479, MedGen C5190987, MONDO:0014474, OMIM 616052.

Allele frequency attached by ClinVar (database versions not stated): gnomAD exomes below 0.00001.
gnomAD v4.1: 1 of 1,578,406 alleles (0.000063%); highest among the groups gnomAD compares: Non-Finnish European, 0.000086%; no homozygotes.

Submission:

Labcorp Genetics (formerly Invitae), Labcorp
Classification: Uncertain significance for Muscular dystrophy-dystroglycanopathy (congenital with brain and eye anomalies), type A, 7; Autosomal recessive limb-girdle muscular dystrophy type 2U. Last evaluated: 2019-07-09. Review status: criteria provided, single submitter. Criteria: Invitae Variant Classification Sherloc (09022015). Collection method: clinical testing. Allele origin: germline.
Comment: This sequence change replaces aspartic acid with asparagine at codon 290 of the ISPD protein (p.Asp290Asn). The aspartic acid residue is weakly conserved and there is a small physicochemical difference between aspartic acid and asparagine. In summary, the available evidence is currently insufficient to determine the role of this variant in disease. Therefore, it has been classified as a Variant of Uncertain Significance. Algorithms developed to predict the effect of missense changes on protein structure and function output the following: SIFT: "Tolerated"; PolyPhen-2: "Benign"; Align-GVGD: "Class C0". The asparagine amino acid residue is found in multiple mammalian species, suggesting that this missense change does not adversely affect protein function. These predictions have not been confirmed by published functional studies and their clinical significance is uncertain. This variant has not been reported in the literature in individuals with ISPD-related conditions. This variant is not present in population databases (ExAC no frequency).

NM_001101426.4(CRPPA):c.868G>A (p.Asp290Asn)

Gene: CRPPA (CDP-L-ribitol pyrophosphorylase A; minus strand). Cytogenetic location: 7p21.2.
Variant type: single nucleotide variant.
Coding change: c.868G>A on transcript NM_001101426.4 (MANE Select); coding-DNA position 868, G replaced by A.
Protein change: p.Asp290Asn; replaces aspartic acid 290 with asparagine.
Molecular consequence: missense variant. On other transcripts: non-coding transcript variant (1).
Genome position (GRCh38, 1-based): chr7:16,278,194, C>T on the plus strand (G>A on the coding strand, the complement: CRPPA is on the minus strand). VCF-style: chr7-16278194-C-T. GRCh37 (hg19) VCF-style: chr7-16317819-C-T.
Other names: c.718G>A, p.Asp240Asn (NM_001101417.4); c.763G>A, p.Asp255Asn (NM_001368197.1); short protein forms D290N, D240N, D255N.
Identifiers: ClinVar variation 953729 (VCV000953729.10), dbSNP rs1784249249, ClinGen allele CA367001351.
Genomic context (GRCh38, chr7:16,278,194, plus strand): 5'-ATTCACTTTTCAGCACTTCTTCAAGAAGATGACCTACATGTTTGTTATCTTCTTCTGTAT[C>T]CATAACTACACAAATCTCTTGGGAAATTCTCTCTGAAATTAAAAAAAAAAAGTTTTAAGT-3'
Protein context (NP_001094896.1, residues 280-300): RISQEICVVM[Asp290Asn]TEEDNKHVGH